The following is an entry in ClinVar:

ClinVar aggregate classification (germline): Uncertain significance. Review status: criteria provided, single submitter (1 of 4 stars). 2 submissions from 2 submitters: Uncertain significance (1). 1 of the submissions does not count toward it. Last evaluated 2024-01-02.

Conditions:
BTN2A2-related disorder. Also called: BTN2A2-related condition.

Allele frequency attached by ClinVar (database versions not stated): ESP Exome Variant Server 0.00038; 1000 Genomes Project 30x 0.00047; 1000 Genomes Project 0.00060; TOPMed 0.00086; gnomAD exomes 0.00094.

Submissions (2):

Ambry Genetics
Classification: Uncertain significance. Last evaluated: 2024-01-02. Review status: criteria provided, single submitter. Criteria: Ambry Variant Classification Scheme 2023. Collection method: clinical testing. Allele origin: germline.

PreventionGenetics, part of Exact Sciences
Classification: Likely benign for BTN2A2-related condition. Last evaluated: 2022-02-11. Review status: no assertion criteria provided. Collection method: clinical testing. Allele origin: germline. Not counted in ClinVar's aggregate classification.
Comment: This variant is classified as likely benign based on ACMG/AMP sequence variant interpretation guidelines (Richards et al. 2015 PMID: 25741868, with internal and published modifications).

NM_006995.5(BTN2A2):c.1178T>A (p.Val393Glu)

Gene: BTN2A2 (butyrophilin subfamily 2 member A2; plus strand). Cytogenetic location: 6p22.2.
Variant type: single nucleotide variant.
Coding change: c.1178T>A on transcript NM_006995.5 (MANE Select); coding-DNA position 1178, T replaced by A.
Protein change: p.Val393Glu; replaces valine 393 with glutamic acid.
Molecular consequence: missense variant. On other transcripts: 3 prime UTR variant (1), intron variant (1).
Genome position (GRCh38, 1-based): chr6:26,392,573, T>A. VCF-style: chr6-26392573-T-A. GRCh37 (hg19) VCF-style: chr6-26392801-T-A.
Other names: c.1178T>A, p.Val393Glu (NM_001197237.2); c.548T>A, p.Val183Glu (NM_001197239.2); c.*278T>A (NM_001197240.2); c.830T>A, p.Val277Glu (NM_181531.3); c.980-1725T>A (NM_001197238.2); short protein forms V183E, V277E, V393E.
Identifiers: ClinVar variation 2383907 (VCV002383907.4), dbSNP rs149403458, ClinGen allele CA3672636.